The following is an entry in ClinVar:

ClinVar aggregate classification (germline): Pathogenic (1 of 4 stars; one submission).

Conditions:
Inborn genetic diseases. Identifiers: MedGen C0950123, MeSH D030342.

Submission:

Ambry Genetics
Classification: Pathogenic for Inborn genetic diseases. Last evaluated: 2026-06-12. Review status: criteria provided, single submitter. Criteria: Ambry Variant Classification Scheme 2023. Collection method: clinical testing. Allele origin: germline.
Comment: The c.6609_6615delGGACAAG (p.R2203Sfs*148) alteration, located in exon 11 (coding exon 11) of the SPEN gene, consists of a deletion of 7 nucleotides from position 6609 to 6615, causing a translational frameshift with a predicted alternate stop codon after 148 amino acids. This variant is expected to result in loss of function by premature protein truncation or nonsense-mediated mRNA decay. This variant was not reported in population-based cohorts in the Genome Aggregation Database (gnomAD). Based on the available evidence, this alteration is classified as pathogenic.

NM_015001.3(SPEN):c.6609_6615del (p.Arg2203fs)

Gene: SPEN (spen family transcriptional repressor; plus strand). Cytogenetic location: 1p36.13.
Variant type: Deletion.
Coding change: c.6609_6615del on transcript NM_015001.3 (MANE Select); coding-DNA positions 6609 to 6615, 7 bases deleted (GGACAAG; older notation c.6609_6615delGGACAAG).
Protein change: p.Arg2203fs; shifts the reading frame from arginine 2203.
Molecular consequence: frameshift variant.
Genome position (GRCh38, 1-based): chr1:15,932,849-15,932,855, GGACAAG deleted; deleting any 7 consecutive bases within chr1:15,932,847-15,932,855 gives the same sequence; the c. name uses the placement nearest the transcript's 3' end. VCF-style (leftmost placement, unchanged base first): chr1-15932846-CAGGGACA-C. GRCh37 (hg19) VCF-style: chr1-16259341-CAGGGACA-C.
Other names: short protein forms R2203fs.
Identifiers: ClinVar variation 4864999 (VCV004864999.1).